The following is an entry in ClinVar:

NM_012082.4(ZFPM2):c.842C>G (p.Ala281Gly)

Genes: ZFPM2 (zinc finger protein, FOG family member 2; plus strand), ZFPM2-AS1 (ZFPM2 antisense RNA 1; minus strand). Cytogenetic location: 8q23.1.
Variant type: single nucleotide variant.
Coding change: c.842C>G on transcript NM_012082.4 (MANE Select); coding-DNA position 842, C replaced by G.
Protein change: p.Ala281Gly; replaces alanine 281 with glycine.
Molecular consequence: missense variant.
Genome position (GRCh38, 1-based): chr8:105,798,826, C>G. VCF-style: chr8-105798826-C-G. GRCh37 (hg19) VCF-style: chr8-106811054-C-G.
Other names: c.683C>G, p.Ala228Gly (NM_001362836.2); c.446C>G, p.Ala149Gly (NM_001362837.2); short protein forms A149G, A228G, A281G.
Identifiers: ClinVar variation 2734747 (VCV002734747.3), dbSNP rs770354767, ClinGen allele CA4839643.

ClinVar aggregate classification (germline): Uncertain significance (1 of 4 stars; one submission).

Conditions:
46,XY sex reversal 9 (SRXY9). Also called: 46,XY SEX REVERSAL, ZFPM2-RELATED. Identifiers: Orphanet 251510, MedGen C4015129, MONDO:0014480, OMIM 616067.

Allele frequency attached by ClinVar (database versions not stated): TOPMed 0.00001; gnomAD 0.00002.
gnomAD v4.1: 23 of 1,613,850 alleles (0.0014%); highest among the groups gnomAD compares: Middle Eastern, 0.016%; no homozygotes.

Submission:

Labcorp Genetics (formerly Invitae), Labcorp
Classification: Uncertain significance for 46,XY sex reversal 9. Last evaluated: 2022-12-31. Review status: criteria provided, single submitter. Criteria: Invitae Variant Classification Sherloc (09022015). Collection method: clinical testing. Allele origin: germline.
Comment: This sequence change replaces alanine, which is neutral and non-polar, with glycine, which is neutral and non-polar, at codon 281 of the ZFPM2 protein (p.Ala281Gly). This variant is present in population databases (rs770354767, gnomAD 0.006%). This variant has not been reported in the literature in individuals affected with ZFPM2-related conditions. Algorithms developed to predict the effect of missense changes on protein structure and function (SIFT, PolyPhen-2, Align-GVGD) all suggest that this variant is likely to be tolerated. In summary, the available evidence is currently insufficient to determine the role of this variant in disease. Therefore, it has been classified as a Variant of Uncertain Significance.